The following is an entry in ClinVar:

NM_020884.7(MYH7B):c.5672A>C (p.Glu1891Ala)

Gene: MYH7B (myosin heavy chain 7B; plus strand). Cytogenetic location: 20q11.22.
Variant type: single nucleotide variant.
Coding change: c.5672A>C on transcript NM_020884.7 (MANE Select); coding-DNA position 5672, A replaced by C.
Protein change: p.Glu1891Ala; replaces glutamic acid 1891 with alanine.
Molecular consequence: missense variant.
Genome position (GRCh38, 1-based): chr20:35,001,522, A>C. VCF-style: chr20-35001522-A-C. GRCh37 (hg19) VCF-style: chr20-33589325-A-C.
Other names: short protein forms E1891A.
Identifiers: ClinVar variation 1447175 (VCV001447175.6), dbSNP rs754790191, ClinGen allele CA9828677.

ClinVar aggregate classification (germline): Uncertain significance (1 of 4 stars; one submission).

Allele frequency attached by ClinVar (database versions not stated): gnomAD exomes below 0.00001; gnomAD 0.00001; ExAC 0.00002.
gnomAD v4.1: 6 of 1,606,908 alleles (0.00037%); highest among the groups gnomAD compares: Admixed American, 0.0017%; no homozygotes.

Submission:

Labcorp Genetics (formerly Invitae), Labcorp
Classification: Uncertain significance. Last evaluated: 2021-11-03. Review status: criteria provided, single submitter. Criteria: Invitae Variant Classification Sherloc (09022015). Collection method: clinical testing. Allele origin: germline.
Comment: This sequence change replaces glutamic acid, which is acidic and polar, with alanine, which is neutral and non-polar, at codon 1933 of the MYH7B protein (p.Glu1933Ala). This variant is not present in population databases (gnomAD no frequency). This variant has not been reported in the literature in individuals affected with MYH7B-related conditions. Algorithms developed to predict the effect of missense changes on protein structure and function are either unavailable or do not agree on the potential impact of this missense change (SIFT: "Deleterious"; PolyPhen-2: "Benign"; Align-GVGD: "Class C65"). In summary, the available evidence is currently insufficient to determine the role of this variant in disease. Therefore, it has been classified as a Variant of Uncertain Significance.